The following is an entry in ClinVar:

ClinVar aggregate classification (germline): Uncertain significance (1 of 4 stars; one submission).

Submission:

GeneDx
Classification: Uncertain significance. Last evaluated: 2025-07-17. Review status: criteria provided, single submitter. Criteria: GeneDx Variant Classification Process June 2021. Collection method: clinical testing. Allele origin: germline. Affected: yes.
Comment: Not observed at significant frequency in large population cohorts (gnomAD); In silico analysis supports that this missense variant has a deleterious effect on protein structure/function; Has not been previously published as pathogenic or benign to our knowledge

NM_001394998.1(TANC2):c.3756T>A (p.Asp1252Glu)

Genes: TANC2 (tetratricopeptide repeat, ankyrin repeat and coiled-coil containing 2; plus strand), LOC105371856 (uncharacterized LOC105371856; minus strand). Cytogenetic location: 17q23.3.
Variant type: single nucleotide variant.
Coding change: c.3756T>A on transcript NM_001394998.1 (MANE Select); coding-DNA position 3756, T replaced by A.
Protein change: p.Asp1252Glu; replaces aspartic acid 1252 with glutamic acid.
Molecular consequence: missense variant.
Genome position (GRCh38, 1-based): chr17:63,411,677, T>A. VCF-style: chr17-63411677-T-A. GRCh37 (hg19) VCF-style: chr17-61489038-T-A.
Other names: c.3534T>A, p.Asp1178Glu (NM_001411076.1, NM_025185.4); short protein forms D1178E, D1252E.
Identifiers: ClinVar variation 4686502 (VCV004686502.1).